The following is an entry in ClinVar:

ClinVar aggregate classification (germline): Benign/Likely benign. Review status: criteria provided, multiple submitters, no conflicts (2 of 4 stars). 4 submissions from 4 submitters: Benign (1); Likely benign (3). Last evaluated 2025-03-04.

Conditions:
Hereditary cancer-predisposing syndrome. Also called: Neoplastic Syndromes, Hereditary; Tumor predisposition; Hereditary Cancer Syndrome; Hereditary neoplastic syndrome. Identifiers: Orphanet 140162, MedGen C0027672, MeSH D009386, MONDO:0015356.
Familial adenomatous polyposis 1 (FAP1). Also called: FAMILIAL ADENOMATOUS POLYPOSIS 1, ATTENUATED; POLYPOSIS, ADENOMATOUS INTESTINAL. Identifiers: MedGen C2713442, MONDO:0021056, OMIM 175100. Disease mechanism: loss of function.

Submissions (4):

Center for Genomic Medicine, Rigshospitalet, Copenhagen University Hospital
Classification: Likely benign. Last evaluated: 2025-03-04. Review status: criteria provided, single submitter. Criteria: ACMG Guidelines, 2015. Collection method: clinical testing. Allele origin: germline.

Myriad Genetics, Inc.
Classification: Benign for Familial adenomatous polyposis 1. Last evaluated: 2024-04-16. Review status: criteria provided, single submitter. Criteria: Myriad Autosomal Dominant, Autosomal Recessive and X-Linked Classification Criteria (2023). Collection method: clinical testing. Allele origin: unknown.
Comment: This variant is considered benign. This variant is a silent/synonymous amino acid change and it is not expected to impact splicing.

Labcorp Genetics (formerly Invitae), Labcorp
Classification: Likely benign for Familial adenomatous polyposis 1. Last evaluated: 2022-01-18. Review status: criteria provided, single submitter. Criteria: Invitae Variant Classification Sherloc (09022015). Collection method: clinical testing. Allele origin: germline.

Ambry Genetics
Classification: Likely benign for Hereditary cancer-predisposing syndrome. Last evaluated: 2017-04-27. Review status: criteria provided, single submitter. Criteria: Ambry Variant Classification Scheme 2023. Collection method: clinical testing. Allele origin: germline.

NM_000038.6(APC):c.8481A>G (p.Gly2827=)

Gene: APC (APC regulator of Wnt signaling pathway; plus strand). Cytogenetic location: 5q22.2.
Variant type: single nucleotide variant.
Coding change: c.8481A>G on transcript NM_000038.6 (MANE Select); coding-DNA position 8481, A replaced by G.
Protein change: p.Gly2827=; no amino-acid change (glycine 2827 retained).
Molecular consequence: synonymous variant.
Genome position (GRCh38, 1-based): chr5:112,844,075, A>G. VCF-style: chr5-112844075-A-G. GRCh37 (hg19) VCF-style: chr5-112179772-A-G.
Other names: c.8481A>G, p.Gly2827= (NM_001127510.3, NM_001354895.2); c.8427A>G, p.Gly2809= (NM_001127511.3); c.8535A>G, p.Gly2845= (NM_001354896.2); c.8511A>G, p.Gly2837= (NM_001354897.2); c.8406A>G, p.Gly2802= (NM_001354898.2); c.8397A>G, p.Gly2799= (NM_001354899.2); c.8358A>G, p.Gly2786= (NM_001354900.2); c.8304A>G, p.Gly2768= (NM_001354901.2); and 5 more.
Identifiers: ClinVar variation 482474 (VCV000482474.16), dbSNP rs1554089192, ClinGen allele CA446211441.